The following is an entry in ClinVar:

NM_004247.4(EFTUD2):c.2390C>A (p.Ala797Asp)

Gene: EFTUD2 (elongation factor Tu GTP binding domain containing 2; minus strand). Cytogenetic location: 17q21.31.
Variant type: single nucleotide variant.
Coding change: c.2390C>A on transcript NM_004247.4 (MANE Select); coding-DNA position 2390, C replaced by A.
Protein change: p.Ala797Asp; replaces alanine 797 with aspartic acid.
Molecular consequence: missense variant.
Genome position (GRCh38, 1-based): chr17:44,853,593, G>T on the plus strand (C>A on the coding strand, the complement: EFTUD2 is on the minus strand). VCF-style: chr17-44853593-G-T. GRCh37 (hg19) VCF-style: chr17-42930961-G-T.
Other names: c.2285C>A, p.Ala762Asp (NM_001142605.2); c.2390C>A, p.Ala797Asp (NM_001258353.2); c.2360C>A, p.Ala787Asp (NM_001258354.2); short protein forms A787D, A797D, A762D.
Identifiers: ClinVar variation 3665859 (VCV003665859.2).

ClinVar aggregate classification (germline): Uncertain significance (1 of 4 stars; one submission).

Submission:

Labcorp Genetics (formerly Invitae), Labcorp
Classification: Uncertain significance. Last evaluated: 2024-12-05. Review status: criteria provided, single submitter. Criteria: Invitae Variant Classification Sherloc (09022015). Collection method: clinical testing. Allele origin: germline.
Comment: This sequence change replaces alanine, which is neutral and non-polar, with aspartic acid, which is acidic and polar, at codon 797 of the EFTUD2 protein (p.Ala797Asp). This variant is not present in population databases (gnomAD no frequency). This variant has not been reported in the literature in individuals affected with EFTUD2-related conditions. Invitae Evidence Modeling of protein sequence and biophysical properties (such as structural, functional, and spatial information, amino acid conservation, physicochemical variation, residue mobility, and thermodynamic stability) indicates that this missense variant is not expected to disrupt EFTUD2 protein function with a negative predictive value of 80%. In summary, the available evidence is currently insufficient to determine the role of this variant in disease. Therefore, it has been classified as a Variant of Uncertain Significance.